The following is an entry in ClinVar:

NM_021628.3(ALOXE3):c.1964del (p.Leu655fs)

Gene: ALOXE3 (arachidonate epidermal lipoxygenase 3; minus strand). Cytogenetic location: 17p13.1.
Variant type: Deletion.
Coding change: c.1964del on transcript NM_021628.3 (MANE Select); coding-DNA position 1964, one base deleted (T; older notation c.1964delT).
Protein change: p.Leu655fs; shifts the reading frame from leucine 655.
Molecular consequence: frameshift variant.
Genome position (GRCh38, 1-based): chr17:8,096,799, A deleted on the plus strand (T on the coding strand, the reverse complement: ALOXE3 is on the minus strand). VCF-style (leftmost placement, unchanged base first): chr17-8096798-CA-C. GRCh37 (hg19) VCF-style: chr17-8000116-CA-C.
Other names: c.2360del, p.Leu787fs (NM_001165960.1); c.1961del, p.Leu654fs (NM_001369446.1); short protein forms L655fs, L654fs, L787fs.
Identifiers: ClinVar variation 1377327 (VCV001377327.6), dbSNP rs2151828026, ClinGen allele CA2573154509.

ClinVar aggregate classification (germline): Pathogenic (1 of 4 stars; one submission).

Submission:

Labcorp Genetics (formerly Invitae), Labcorp
Classification: Pathogenic. Last evaluated: 2024-02-23. Review status: criteria provided, single submitter. Criteria: Invitae Variant Classification Sherloc (09022015). Collection method: clinical testing. Allele origin: germline.
Comment: This sequence change results in a frameshift in the ALOXE3 gene (p.Leu655Argfs*93). While this is not anticipated to result in nonsense mediated decay, it is expected to disrupt the last 57 amino acid(s) of the ALOXE3 protein and extend the protein by 35 additional amino acid residues. This variant is not present in population databases (gnomAD no frequency). This frameshift has been observed in individual(s) with clinical features of congenital ichthyosis (Invitae). ClinVar contains an entry for this variant (Variation ID: 1377327). This variant disrupts the C-terminus of the ALOXE3 protein. Other variant(s) that disrupt this region (p.Tyr699*, p.Glu661*) have been observed in individuals with ALOXE3-related conditions (PMID: 25998749, 31168818). This suggests that this may be a clinically significant region of the protein. For these reasons, this variant has been classified as Pathogenic.

Literature cited by the submitters: PubMed 25998749; PubMed 31168818.